The following is an entry in ClinVar:

NM_147686.4(TRAF3IP2):c.1440T>G (p.Asp480Glu)

Genes: TRAF3IP2-AS1 (TRAF3IP2 antisense RNA 1; plus strand), TRAF3IP2 (TRAF3 interacting protein 2; minus strand). Cytogenetic location: 6q21.
Variant type: single nucleotide variant.
Coding change: c.1440T>G on transcript NM_147686.4 (MANE Select); coding-DNA position 1440, T replaced by G.
Protein change: p.Asp480Glu; replaces aspartic acid 480 with glutamic acid.
Molecular consequence: missense variant.
Genome position (GRCh38, 1-based): chr6:111,566,480, A>C on the plus strand (T>G on the coding strand, the complement: TRAF3IP2 is on the minus strand). VCF-style: chr6-111566480-A-C. GRCh37 (hg19) VCF-style: chr6-111887683-A-C.
Other names: c.1437T>G, p.Asp479Glu (NM_001164281.3); c.72T>G, p.Asp24Glu (NM_001164283.3); c.1467T>G, p.Asp489Glu (NM_147200.3); short protein forms D480E, D489E, D479E, D24E.
Identifiers: ClinVar variation 1039855 (VCV001039855.6), dbSNP rs141459820, ClinGen allele CA3963080.

ClinVar aggregate classification (germline): Uncertain significance (1 of 4 stars; one submission).

Conditions:
Candidiasis, familial, 8 (CANDF8). Identifiers: Orphanet 1334, MedGen C3714992, MONDO:0014230, OMIM 615527.

Allele frequency attached by ClinVar (database versions not stated): ExAC 0.00002; gnomAD exomes 0.00002; TOPMed 0.00002; ESP Exome Variant Server 0.00008.
gnomAD v4.1: 37 of 1,614,066 alleles (0.0023%); highest among the groups gnomAD compares: Non-Finnish European, 0.003%; no homozygotes.

Submission:

Labcorp Genetics (formerly Invitae), Labcorp
Classification: Uncertain significance for Candidiasis, familial, 8. Last evaluated: 2022-02-05. Review status: criteria provided, single submitter. Criteria: Invitae Variant Classification Sherloc (09022015). Collection method: clinical testing. Allele origin: germline.
Comment: This sequence change replaces aspartic acid, which is acidic and polar, with glutamic acid, which is acidic and polar, at codon 480 of the TRAF3IP2 protein (p.Asp480Glu). This variant is present in population databases (rs141459820, gnomAD 0.005%). This variant has not been reported in the literature in individuals affected with TRAF3IP2-related conditions. ClinVar contains an entry for this variant (Variation ID: 1039855). Algorithms developed to predict the effect of missense changes on protein structure and function are either unavailable or do not agree on the potential impact of this missense change (SIFT: "Deleterious"; PolyPhen-2: "Probably Damaging"; Align-GVGD: "Class C0"). In summary, the available evidence is currently insufficient to determine the role of this variant in disease. Therefore, it has been classified as a Variant of Uncertain Significance.